The following is an entry in ClinVar:

NM_003737.4(DCHS1):c.6592C>G (p.Leu2198Val)

Gene: DCHS1 (dachsous cadherin-related 1; minus strand). Cytogenetic location: 11p15.4.
Variant type: single nucleotide variant.
Coding change: c.6592C>G on transcript NM_003737.4 (MANE Select); coding-DNA position 6592, C replaced by G.
Protein change: p.Leu2198Val; replaces leucine 2198 with valine.
Molecular consequence: missense variant.
Genome position (GRCh38, 1-based): chr11:6,626,059, G>C on the plus strand (C>G on the coding strand, the complement: DCHS1 is on the minus strand). VCF-style: chr11-6626059-G-C. GRCh37 (hg19) VCF-style: chr11-6647290-G-C.
Other names: short protein forms L2198V.
Identifiers: ClinVar variation 3771574 (VCV003771574.13).

ClinVar aggregate classification (germline): Uncertain significance (1 of 4 stars; one submission).

Submission:

CeGaT Center for Human Genetics Tuebingen
Classification: Uncertain significance. Last evaluated: 2024-12-01. Review status: criteria provided, single submitter. Criteria: CeGaT Center For Human Genetics Tuebingen Variant Classification Criteria Version 2. Collection method: clinical testing. Allele origin: germline. Affected: yes. Observed: 1 variant allele.
Comment: DCHS1: PM2, BP4